The following is an entry in ClinVar:

ClinVar aggregate classification (germline): Uncertain significance (1 of 4 stars; one submission).

Conditions:
Skeletal overgrowth-craniofacial dysmorphism-hyperelastic skin-white matter lesions syndrome. Also called: SKELETAL OVERGROWTH WITH FACIAL DYSMORPHISM, HYPERELASTIC SKIN, WHITE MATTER LESIONS, AND NEUROLOGIC DETERIORATION; Kosaki overgrowth syndrome. Identifiers: Orphanet 477831, MedGen C4225270, MONDO:0014704, OMIM 616592.
Acroosteolysis-keloid-like lesions-premature aging syndrome. Also called: Premature aging syndrome, Penttinen type; Prematurely aged appearance, delayed bone maturation, acro-osteolysis, and brachydactyly; Progeroid syndrome, Penttinen type. Identifiers: Orphanet 363665, MedGen C1866182, MONDO:0011150, OMIM 601812.
Infantile myofibromatosis (IMF). Also called: Congenital generalized fibromatosis. Identifiers: Orphanet 2591, MedGen C0432284, MONDO:0016824.
Basal ganglia calcification, idiopathic, 4 (PFBC4). Also called: Familial Idiopathic Basal Ganglia Calcification 4; PRIMARY FAMILIAL BRAIN CALCIFICATION 4, AUTOSOMAL DOMINANT. Identifiers: Orphanet 1980, MedGen C3554321, MONDO:0014004, OMIM 615007.

Submission:

Labcorp Genetics (formerly Invitae), Labcorp
Classification: Uncertain significance for Basal ganglia calcification, idiopathic, 4; Skeletal overgrowth-craniofacial dysmorphism-hyperelastic skin-white matter lesions syndrome; Infantile myofibromatosis; Acroosteolysis-keloid-like lesions-premature aging syndrome. Last evaluated: 2025-08-09. Review status: criteria provided, single submitter. Criteria: Invitae Variant Classification Sherloc (09022015). Collection method: clinical testing. Allele origin: germline.
Comment: This sequence change replaces serine, which is neutral and polar, with arginine, which is basic and polar, at codon 1062 of the PDGFRB protein (p.Ser1062Arg). This variant is present in population databases (rs760292775, gnomAD 0.03%). This variant has not been reported in the literature in individuals affected with PDGFRB-related conditions. Invitae Evidence Modeling of protein sequence and biophysical properties (such as structural, functional, and spatial information, amino acid conservation, physicochemical variation, residue mobility, and thermodynamic stability) indicates that this missense variant is not expected to disrupt PDGFRB protein function with a negative predictive value of 95%. In summary, the available evidence is currently insufficient to determine the role of this variant in disease. Therefore, it has been classified as a Variant of Uncertain Significance.

NM_002609.4(PDGFRB):c.3186C>G (p.Ser1062Arg)

Gene: PDGFRB (platelet derived growth factor receptor beta; minus strand). Cytogenetic location: 5q32.
Variant type: single nucleotide variant.
Coding change: c.3186C>G on transcript NM_002609.4 (MANE Select); coding-DNA position 3186, C replaced by G.
Protein change: p.Ser1062Arg; replaces serine 1062 with arginine.
Molecular consequence: missense variant.
Genome position (GRCh38, 1-based): chr5:150,115,898, G>C on the plus strand (C>G on the coding strand, the complement: PDGFRB is on the minus strand). VCF-style: chr5-150115898-G-C. GRCh37 (hg19) VCF-style: chr5-149495461-G-C.
Other names: c.2994C>G, p.Ser998Arg (NM_001355016.2); c.2703C>G, p.Ser901Arg (NM_001355017.2); short protein forms S901R, S998R, S1062R.
Identifiers: ClinVar variation 4794235 (VCV004794235.1).